The following is an entry in ClinVar:

NM_001170629.2(CHD8):c.3275G>A (p.Arg1092His)

Gene: CHD8 (chromodomain helicase DNA binding protein 8; minus strand). Cytogenetic location: 14q11.2.
Variant type: single nucleotide variant.
Coding change: c.3275G>A on transcript NM_001170629.2 (MANE Select); coding-DNA position 3275, G replaced by A.
Protein change: p.Arg1092His; replaces arginine 1092 with histidine.
Molecular consequence: missense variant.
Genome position (GRCh38, 1-based): chr14:21,405,241, C>T on the plus strand (G>A on the coding strand, the complement: CHD8 is on the minus strand). VCF-style: chr14-21405241-C-T. GRCh37 (hg19) VCF-style: chr14-21873400-C-T.
Other names: c.2438G>A, p.Arg813His (NM_020920.4); short protein forms R1092H, R813H.
Identifiers: ClinVar variation 589199 (VCV000589199.7), dbSNP rs1215755967, ClinGen allele CA388901902.

ClinVar aggregate classification (germline): Conflicting classifications of pathogenicity. Review status: criteria provided, conflicting classifications (1 of 4 stars). 3 submissions from 3 submitters: Likely pathogenic (1); Uncertain significance (2). Last evaluated 2026-06-05.

Conditions:
Paediatric disorders.
Inborn genetic diseases. Identifiers: MedGen C0950123, MeSH D030342.
Intellectual developmental disorder with autism and macrocephaly. Also called: CHD8-Related Neurodevelopmental Disorder with Overgrowth; Autism, susceptibility to, 18. Identifiers: Orphanet 642675, MedGen C3554373, MONDO:0014017, OMIM 615032.

Allele frequency attached by ClinVar (database versions not stated): gnomAD 0.00001.

Submissions (3):

Institute of Human Genetics, Heidelberg University
Classification: Likely pathogenic for Intellectual developmental disorder with autism and macrocephaly. Last evaluated: 2026-06-05. Review status: criteria provided, single submitter. Criteria: ACMG Guidelines, 2015. Collection method: clinical testing. Allele origin: de novo. Affected: yes. Observed: 1 variant allele.
Comment: PS2_mod, PM2_supp, PP3_mod, PP2_supp

North West Genomic Laboratory Hub, Manchester University NHS Foundation Trust
Classification: Uncertain significance for Paediatric disorders. Last evaluated: 2026-05-04. Review status: criteria provided, single submitter. Criteria: ACGS Best Practice Guidelines for Variant Classification in Rare Disease 2024. Collection method: clinical testing. Allele origin: germline. Affected: yes.
Comment: PP3_Supp PM2_Mod

Ambry Genetics
Classification: Uncertain significance for Inborn genetic diseases. Last evaluated: 2017-06-12. Review status: criteria provided, single submitter. Criteria: Ambry Variant Classification Scheme 2023. Collection method: clinical testing. Allele origin: germline.
Comment: The p.R1092H variant (also known as c.3275G>A), located in coding exon 15 of the CHD8 gene, results from a G to A substitution at nucleotide position 3275. The arginine at codon 1092 is replaced by histidine, an amino acid with highly similar properties. This amino acid position is highly conserved in available vertebrate species. In addition, this alteration is predicted to be deleterious by in silico analysis. Since supporting evidence is limited at this time, the clinical significance of this alteration remains unclear.